The following is an entry in ClinVar:

ClinVar aggregate classification (germline): Likely benign. Review status: criteria provided, multiple submitters, no conflicts (2 of 4 stars). 2 submissions from 2 submitters: Likely benign (2). Last evaluated 2026-09-01.

Conditions:
Inborn genetic diseases. Identifiers: MedGen C0950123, MeSH D030342.

Allele frequency attached by ClinVar (database versions not stated): gnomAD exomes 0.00001; TOPMed 0.00001.
gnomAD v4.1: 6 of 1,611,082 alleles (0.00037%); highest among the groups gnomAD compares: Admixed American, 0.01%; no homozygotes.

Submissions (2):

CeGaT Center for Human Genetics Tuebingen
Classification: Likely benign. Last evaluated: 2026-09-01. Review status: criteria provided, single submitter. Criteria: CeGaT Center For Human Genetics Tuebingen Variant Classification Criteria Version 2. Collection method: clinical testing. Allele origin: germline. Affected: yes. Observed: 1 variant allele.
Comment: FOXP2: BP4, BS2

Ambry Genetics
Classification: Likely benign for Inborn genetic diseases. Last evaluated: 2017-09-26. Review status: criteria provided, single submitter. Criteria: Ambry Variant Classification Scheme 2023. Collection method: clinical testing. Allele origin: germline.

NM_014491.4(FOXP2):c.154C>T (p.Leu52=)

Gene: FOXP2 (forkhead box P2; plus strand). Cytogenetic location: 7q31.1.
Variant type: single nucleotide variant.
Coding change: c.154C>T on transcript NM_014491.4 (MANE Select); coding-DNA position 154, C replaced by T.
Protein change: p.Leu52=; no amino-acid change (leucine 52 retained).
Molecular consequence: synonymous variant. On other transcripts: non-coding transcript variant (2).
Genome position (GRCh38, 1-based): chr7:114,426,665, C>T. VCF-style: chr7-114426665-C-T. GRCh37 (hg19) VCF-style: chr7-114066720-C-T.
Other names: c.154C>T, p.Leu52= (NM_001172766.3, NM_001172767.2, NM_148898.4 and 2 more transcripts); c.-1380C>T (NM_001172777.1).
Identifiers: ClinVar variation 1775021 (VCV001775021.3), dbSNP rs1258244121, ClinGen allele CA457292593.